The following is an entry in ClinVar:

ClinVar aggregate classification (germline): Uncertain significance (1 of 4 stars; one submission).

Conditions:
Chédiak-Higashi syndrome (CHS). Also called: Chediak-Higashi Syndrome. Identifiers: Orphanet 167, MedGen C0007965, MONDO:0008963, OMIM 214500.

Submission:

Labcorp Genetics (formerly Invitae), Labcorp
Classification: Uncertain significance for Chédiak-Higashi syndrome. Last evaluated: 2024-06-21. Review status: criteria provided, single submitter. Criteria: Invitae Variant Classification Sherloc (09022015). Collection method: clinical testing. Allele origin: germline.
Comment: This variant, c.708_719del, results in the deletion of 4 amino acid(s) of the LYST protein (p.Asp236_Ser239del), but otherwise preserves the integrity of the reading frame. This variant is not present in population databases (gnomAD no frequency). This variant has not been reported in the literature in individuals affected with LYST-related conditions. Experimental studies and prediction algorithms are not available or were not evaluated, and the functional significance of this variant is currently unknown. In summary, the available evidence is currently insufficient to determine the role of this variant in disease. Therefore, it has been classified as a Variant of Uncertain Significance.

NM_000081.4(LYST):c.708_719del (p.Asp236_Ser239del)

Gene: LYST (lysosomal trafficking regulator; minus strand). Cytogenetic location: 1q42.3.
Variant type: Deletion.
Coding change: c.708_719del on transcript NM_000081.4 (MANE Select); coding-DNA positions 708 to 719, 12 bases deleted (CATTTTAAGTGA).
Protein change: p.Asp236_Ser239del.
Genome position (GRCh38, 1-based): chr1:235,810,099-235,810,110, TCACTTAAAATG deleted on the plus strand (CATTTTAAGTGA on the coding strand, the reverse complement: LYST is on the minus strand); deleting any 12 consecutive bases within chr1:235,810,099-235,810,113 gives the same sequence; the c. name uses the placement nearest the transcript's 3' end. VCF-style (leftmost placement, unchanged base first): chr1-235810098-CTCACTTAAAATG-C. GRCh37 (hg19) VCF-style: chr1-235973398-CTCACTTAAAATG-C.
Other names: c.708_719del, p.Asp236_Ser239del (NM_001301365.1).
Identifiers: ClinVar variation 3699740 (VCV003699740.2).